The following is an entry in ClinVar:

NM_152381.6(XIRP2):c.6725G>A (p.Arg2242Gln)

Gene: XIRP2 (xin actin binding repeat containing 2; plus strand). Cytogenetic location: 2q24.3.
Variant type: single nucleotide variant.
Coding change: c.6725G>A on transcript NM_152381.6 (MANE Select); coding-DNA position 6725, G replaced by A.
Protein change: p.Arg2242Gln; replaces arginine 2242 with glutamine.
Molecular consequence: missense variant. On other transcripts: intron variant (3).
Genome position (GRCh38, 1-based): chr2:167,248,117, G>A. VCF-style: chr2-167248117-G-A. GRCh37 (hg19) VCF-style: chr2-168104627-G-A.
Other names: c.6059G>A, p.Arg2020Gln (NM_001199144.2); c.1276-5915G>A (NM_001199143.2); c.1177-5915G>A (NM_001079810.4); c.511-5915G>A (NM_001199145.2); short protein forms R2020Q, R2242Q.
Identifiers: ClinVar variation 3055585 (VCV003055585.2), dbSNP rs61750760, ClinGen allele CA1947472.
Genomic context (GRCh38, chr2:167,248,117, plus strand): 5'-TAACAGAAATGAAAGTCTCTGAAAAAAGTCACAATACATTTAAGGCAACCAACAAAAAGC[G>A]GGAGACTGATGTTCACTTGAAAAGCCAGGACTTTCTAATGAAAACAAATACTTCCACAGG-3'
Protein context (NP_689594.4, residues 2232-2252): HNTFKATNKK[Arg2242Gln]ETDVHLKSQD

ClinVar aggregate classification (germline): Benign (0 of 4 stars; one submission).

Conditions:
XIRP2-related disorder. Also called: XIRP2-related condition.

Allele frequency attached by ClinVar (database versions not stated): gnomAD exomes 0.12341; ExAC 0.14847; ESP Exome Variant Server 0.16627; gnomAD 0.17328; TOPMed 0.17562; 1000 Genomes Project 30x 0.19800; 1000 Genomes Project 0.19828.
gnomAD v4.1: 207,355 of 1,612,876 alleles (13%); highest among the groups gnomAD compares: African/African-American, 30%; 15,370 homozygotes.

Submission:

PreventionGenetics, part of Exact Sciences
Classification: Benign for XIRP2-related condition. Last evaluated: 2019-11-06. Review status: no assertion criteria provided. Collection method: clinical testing. Allele origin: germline.
Comment: This variant is classified as benign based on ACMG/AMP sequence variant interpretation guidelines (Richards et al. 2015 PMID: 25741868, with internal and published modifications).